The following is an entry in ClinVar:

ClinVar aggregate classification (germline): Uncertain significance (1 of 4 stars; one submission).

Conditions:
Inborn genetic diseases. Identifiers: MedGen C0950123, MeSH D030342.

Submission:

Ambry Genetics
Classification: Uncertain significance for Inborn genetic diseases. Last evaluated: 2025-05-25. Review status: criteria provided, single submitter. Criteria: Ambry Variant Classification Scheme 2023. Collection method: clinical testing. Allele origin: germline.
Comment: The p.T176I variant (also known as c.527C>T), located in coding exon 5 of the USB1 gene, results from a C to T substitution at nucleotide position 527. The threonine at codon 176 is replaced by isoleucine, an amino acid with similar properties. This amino acid position is conserved. In addition, this alteration is predicted to be tolerated by in silico analysis. Based on the available evidence, the clinical significance of this variant remains unclear.

NM_024598.4(USB1):c.527C>T (p.Thr176Ile)

Gene: USB1 (U6 snRNA biogenesis phosphodiesterase 1; plus strand). Cytogenetic location: 16q21.
Variant type: single nucleotide variant.
Coding change: c.527C>T on transcript NM_024598.4 (MANE Select); coding-DNA position 527, C replaced by T.
Protein change: p.Thr176Ile; replaces threonine 176 with isoleucine.
Molecular consequence: missense variant.
Genome position (GRCh38, 1-based): chr16:58,017,357, C>T. VCF-style: chr16-58017357-C-T. GRCh37 (hg19) VCF-style: chr16-58051261-C-T.
Other names: c.473C>T, p.Thr158Ile (NM_001195302.2); c.374C>T, p.Thr125Ile (NM_001330568.2); short protein forms T125I, T158I, T176I.
Identifiers: ClinVar variation 3978177 (VCV003978177.1).
Genomic context (GRCh38, chr16:58,017,357, plus strand): 5'-GCTACATCTCATGCCTGCGTTGTCTTCCTCTCCCCAGGACCTTTATTGGGCTTGAGGTCA[C>T]TTCAGGGCATGCCCAGTTCCTGGACCTGGTTTCAGAGGTGGACAGAGTCATGGAGGAATT-3'
Protein context (NP_078874.2, residues 166-186): KTRTFIGLEV[Thr176Ile]SGHAQFLDLV